The following is an entry in ClinVar:

NM_005732.4(RAD50):c.527T>C (p.Phe176Ser)

Gene: RAD50 (RAD50 double strand break repair protein; plus strand). Cytogenetic location: 5q31.1.
Variant type: single nucleotide variant.
Coding change: c.527T>C on transcript NM_005732.4 (MANE Select); coding-DNA position 527, T replaced by C.
Protein change: p.Phe176Ser; replaces phenylalanine 176 with serine.
Molecular consequence: missense variant.
Genome position (GRCh38, 1-based): chr5:132,579,478, T>C. VCF-style: chr5-132579478-T-C. GRCh37 (hg19) VCF-style: chr5-131915170-T-C.
Other names: short protein forms F176S.
Identifiers: ClinVar variation 1475349 (VCV001475349.8), dbSNP rs2149837803, ClinGen allele CA360934993.

ClinVar aggregate classification (germline): Uncertain significance (1 of 4 stars; one submission).

Conditions:
Hereditary cancer-predisposing syndrome. Also called: Neoplastic Syndromes, Hereditary; Hereditary Cancer Syndrome; Tumor predisposition; Hereditary neoplastic syndrome. Identifiers: Orphanet 140162, MedGen C0027672, MeSH D009386, MONDO:0015356.

Submission:

Labcorp Genetics (formerly Invitae), Labcorp
Classification: Uncertain significance for Hereditary cancer-predisposing syndrome. Last evaluated: 2022-04-12. Review status: criteria provided, single submitter. Criteria: Invitae Variant Classification Sherloc (09022015). Collection method: clinical testing. Allele origin: germline.
Comment: This sequence change replaces phenylalanine, which is neutral and non-polar, with serine, which is neutral and polar, at codon 176 of the RAD50 protein (p.Phe176Ser). This variant is not present in population databases (gnomAD no frequency). This variant has not been reported in the literature in individuals affected with RAD50-related conditions. Algorithms developed to predict the effect of missense changes on protein structure and function (SIFT, PolyPhen-2, Align-GVGD) all suggest that this variant is likely to be disruptive. In summary, the available evidence is currently insufficient to determine the role of this variant in disease. Therefore, it has been classified as a Variant of Uncertain Significance.